The following is an entry in ClinVar:

NM_001261826.3(AP3D1):c.1069C>T (p.Arg357Trp)

Gene: AP3D1 (adaptor related protein complex 3 subunit delta 1; minus strand). Cytogenetic location: 19p13.3.
Variant type: single nucleotide variant.
Coding change: c.1069C>T on transcript NM_001261826.3 (MANE Select); coding-DNA position 1069, C replaced by T.
Protein change: p.Arg357Trp; replaces arginine 357 with tryptophan.
Molecular consequence: missense variant.
Genome position (GRCh38, 1-based): chr19:2,121,766, G>A on the plus strand (C>T on the coding strand, the complement: AP3D1 is on the minus strand). VCF-style: chr19-2121766-G-A. GRCh37 (hg19) VCF-style: chr19-2121765-G-A.
Other names: c.1069C>T, p.Arg357Trp (NM_001374799.1, NM_003938.8); short protein forms R357W.
Identifiers: ClinVar variation 1337589 (VCV001337589.6), dbSNP rs370176164, ClinGen allele CA9059443.

ClinVar aggregate classification (germline): Uncertain significance. Review status: criteria provided, multiple submitters, no conflicts (2 of 4 stars). 2 submissions from 2 submitters: Uncertain significance (2). Last evaluated 2025-12-24.

Allele frequency attached by ClinVar (database versions not stated): gnomAD 0.00002 and 0.00003; TOPMed 0.00005; ESP Exome Variant Server 0.00008; ExAC 0.00002.
gnomAD v4.1: 33 of 1,610,816 alleles (0.002%); highest among the groups gnomAD compares: African/African-American, 0.0053%; no homozygotes.

Submissions (2):

Labcorp Genetics (formerly Invitae), Labcorp
Classification: Uncertain significance. Last evaluated: 2025-12-24. Review status: criteria provided, single submitter. Criteria: Invitae Variant Classification Sherloc (09022015). Collection method: clinical testing. Allele origin: germline.
Comment: This sequence change replaces arginine, which is basic and polar, with tryptophan, which is neutral and slightly polar, at codon 357 of the AP3D1 protein (p.Arg357Trp). This variant is present in population databases (rs370176164, gnomAD 0.01%). This variant has not been reported in the literature in individuals affected with AP3D1-related conditions. ClinVar contains an entry for this variant (Variation ID: 1337589). An algorithm developed to predict the effect of missense changes on protein structure and function (PolyPhen-2) suggests that this variant is likely to be disruptive. In summary, the available evidence is currently insufficient to determine the role of this variant in disease. Therefore, it has been classified as a Variant of Uncertain Significance.

Genetic Services Laboratory, University of Chicago
Classification: Uncertain significance. Last evaluated: 2020-04-13. Review status: criteria provided, single submitter. Criteria: ACMG Guidelines, 2015. Collection method: clinical testing. Allele origin: germline. Affected: no.